The following is an entry in ClinVar:

NM_015046.7(SETX):c.6853G>A (p.Ala2285Thr)

Gene: SETX (senataxin; minus strand). Cytogenetic location: 9q34.13.
Variant type: single nucleotide variant.
Coding change: c.6853G>A on transcript NM_015046.7 (MANE Select); coding-DNA position 6853, G replaced by A.
Protein change: p.Ala2285Thr; replaces alanine 2285 with threonine.
Molecular consequence: missense variant.
Genome position (GRCh38, 1-based): chr9:132,277,142, C>T on the plus strand (G>A on the coding strand, the complement: SETX is on the minus strand). VCF-style: chr9-132277142-C-T. GRCh37 (hg19) VCF-style: chr9-135152529-C-T.
Other names: c.6853G>A, p.Ala2285Thr (NM_001351527.2, NM_001351528.2); short protein forms A2285T.
Identifiers: ClinVar variation 2950005 (VCV002950005.3), dbSNP rs2538871282, ClinGen allele CA375330586.
Genomic context (GRCh38, chr9:132,277,142, plus strand): 5'-CATCTCCAACATCAAACACAAGGTATGGCTGAAATGGCCAATCTGATGAACATCGAATGG[C>T]TTCTGTCTGTCTGTAAAAAAAAAAAAGCAGTCAACATTCAGAATAAAGTCAAGATTTAAG-3'
Protein context (NP_055861.3, residues 2275-2295): RNLKTNRQTE[Ala2285Thr]IRCSSDWPFQ

ClinVar aggregate classification (germline): Uncertain significance (1 of 4 stars; one submission).

Conditions:
Amyotrophic lateral sclerosis type 4 (ALS4). Also called: AMYOTROPHIC LATERAL SCLEROSIS 4, JUVENILE; NEURONOPATHY, DISTAL HEREDITARY MOTOR, WITH PYRAMIDAL FEATURES. Identifiers: Orphanet 357043, MedGen C1865409, MONDO:0011223, OMIM 602433.
Spinocerebellar ataxia, autosomal recessive, with axonal neuropathy 2 (SCAN2). Also called: ATAXIA-OCULOMOTOR APRAXIA 2; Ataxia-ocular apraxia-2; Ataxia with Oculomotor Apraxia Type 2; Ataxia with Oculomotor Apraxia. Identifiers: Orphanet 64753, MedGen C1853761, MONDO:0018996, OMIM 606002.

Allele frequency attached by ClinVar (database versions not stated): gnomAD exomes below 0.00001.
gnomAD v4.1: 1 of 1,608,918 alleles (0.000062%); highest among the groups gnomAD compares: East Asian, 0.0022%; no homozygotes.

Submission:

Labcorp Genetics (formerly Invitae), Labcorp
Classification: Uncertain significance for Amyotrophic lateral sclerosis type 4; Spinocerebellar ataxia, autosomal recessive, with axonal neuropathy 2. Last evaluated: 2023-07-17. Review status: criteria provided, single submitter. Criteria: Invitae Variant Classification Sherloc (09022015). Collection method: clinical testing. Allele origin: germline.
Comment: In summary, the available evidence is currently insufficient to determine the role of this variant in disease. Therefore, it has been classified as a Variant of Uncertain Significance. Advanced modeling of protein sequence and biophysical properties (such as structural, functional, and spatial information, amino acid conservation, physicochemical variation, residue mobility, and thermodynamic stability) performed at Invitae indicates that this missense variant is not expected to disrupt SETX protein function. This variant has not been reported in the literature in individuals affected with SETX-related conditions. This variant is not present in population databases (gnomAD no frequency). This sequence change replaces alanine, which is neutral and non-polar, with threonine, which is neutral and polar, at codon 2285 of the SETX protein (p.Ala2285Thr).